The following is an entry in ClinVar:

ClinVar aggregate classification (germline): Uncertain significance (1 of 4 stars; one submission).

Conditions:
Familial cold autoinflammatory syndrome 3 (FCAS3). Also called: FAMILIAL ATYPICAL COLD URTICARIA; ANTIBODY DEFICIENCY AND IMMUNE DYSREGULATION, PLCG2-ASSOCIATED. Identifiers: Orphanet 300359, MedGen C3280914, MONDO:0013766, OMIM 614468.

Allele frequency attached by ClinVar (database versions not stated): gnomAD exomes below 0.00001.
gnomAD v4.1: 1 of 1,614,202 alleles (0.000062%); highest among the groups gnomAD compares: Non-Finnish European, 0.000085%; no homozygotes.

Submission:

Labcorp Genetics (formerly Invitae), Labcorp
Classification: Uncertain significance for Familial cold autoinflammatory syndrome 3. Last evaluated: 2022-12-02. Review status: criteria provided, single submitter. Criteria: Invitae Variant Classification Sherloc (09022015). Collection method: clinical testing. Allele origin: germline.
Comment: ClinVar contains an entry for this variant (Variation ID: 1005416). This variant has not been reported in the literature in individuals affected with PLCG2-related conditions. This variant is not present in population databases (gnomAD no frequency). This sequence change replaces threonine, which is neutral and polar, with isoleucine, which is neutral and non-polar, at codon 983 of the PLCG2 protein (p.Thr983Ile). In summary, the available evidence is currently insufficient to determine the role of this variant in disease. Therefore, it has been classified as a Variant of Uncertain Significance. Algorithms developed to predict the effect of missense changes on protein structure and function are either unavailable or do not agree on the potential impact of this missense change (SIFT: "Deleterious"; PolyPhen-2: "Probably Damaging"; Align-GVGD: "Class C15").

NM_002661.5(PLCG2):c.2948C>T (p.Thr983Ile)

Gene: PLCG2 (phospholipase C gamma 2; plus strand). Cytogenetic location: 16q23.3.
Variant type: single nucleotide variant.
Coding change: c.2948C>T on transcript NM_002661.5 (MANE Select); coding-DNA position 2948, C replaced by T.
Protein change: p.Thr983Ile; replaces threonine 983 with isoleucine.
Molecular consequence: missense variant.
Genome position (GRCh38, 1-based): chr16:81,936,274, C>T. VCF-style: chr16-81936274-C-T. GRCh37 (hg19) VCF-style: chr16-81969879-C-T.
Other names: short protein forms T983I.
Identifiers: ClinVar variation 1005416 (VCV001005416.8), dbSNP rs1910708985, ClinGen allele CA396905923.